The following is an entry in ClinVar:

NM_001080449.3(DNA2):c.1646+3A>G

Gene: DNA2 (DNA replication helicase/nuclease 2; minus strand). Cytogenetic location: 10q21.3.
Variant type: single nucleotide variant.
Coding change: c.1646+3A>G on transcript NM_001080449.3 (MANE Select); 3 bases into the intron after coding-DNA position 1646, A replaced by G.
Molecular consequence: intron variant.
Genome position (GRCh38, 1-based): chr10:68,437,008, T>C on the plus strand (A>G on the coding strand, the complement: DNA2 is on the minus strand). VCF-style: chr10-68437008-T-C. GRCh37 (hg19) VCF-style: chr10-70196765-T-C.
Identifiers: ClinVar variation 3631988 (VCV003631988.2).

ClinVar aggregate classification (germline): Uncertain significance (1 of 4 stars; one submission).

Submission:

Labcorp Genetics (formerly Invitae), Labcorp
Classification: Uncertain significance. Last evaluated: 2024-12-24. Review status: criteria provided, single submitter. Criteria: Invitae Variant Classification Sherloc (09022015). Collection method: clinical testing. Allele origin: germline.
Comment: This sequence change falls in intron 10 of the DNA2 gene. It does not directly change the encoded amino acid sequence of the DNA2 protein. It affects a nucleotide within the consensus splice site. This variant is not present in population databases (gnomAD no frequency). This variant has not been reported in the literature in individuals affected with DNA2-related conditions. Variants that disrupt the consensus splice site are a relatively common cause of aberrant splicing (PMID: 17576681, 9536098). Algorithms developed to predict the effect of sequence changes on RNA splicing suggest that this variant may disrupt the consensus splice site. In summary, the available evidence is currently insufficient to determine the role of this variant in disease. Therefore, it has been classified as a Variant of Uncertain Significance.

Literature cited by the submitters: PubMed 17576681; PubMed 9536098.